The following continues an entry in ClinVar:

NM_002474.3(MYH11):c.3757AAG[3] (p.Lys1256del)

Gene: MYH11. ClinVar aggregate classification (germline): Conflicting classifications of pathogenicity. Pathogenic (3); Likely pathogenic (9); Uncertain significance (9). ClinVar aggregate classification (somatic clinical impact): Tier II - Potential.

Submissions 6 to 12 of 23:

Victorian Clinical Genetics Services, Murdoch Childrens Research Institute
Classification: Uncertain significance for Aortic aneurysm, familial thoracic 4. Last evaluated: 2025-11-21. Review status: criteria provided, single submitter. Criteria: ACMG Guidelines, 2015. Collection method: clinical testing. Allele origin: germline. Affected: yes.
Comment: This variant is classified as VUS-3A. Evidence in support of pathogenic classification: In-frame insertion/deletion in a non-repetitive region that has high conservation; Variant is present in gnomAD <0.01 (v4: 56 heterozygote(s), 0 homozygote(s)); This variant has limited previous evidence of pathogenicity in unrelated individuals. It has been classified as pathogenic, likely pathogenic and VUS by clinical laboratories in ClinVar, and in at least twenty unrelated individuals (one of whom was de novo for this variant), with MYH11-related conditions including patent ductus arteriosus (PDA), thoracic aortic aneurysms and dissections (TAAD), and sudden death. One individual with aortic dissection has a diagnosis of Marfan syndrome associated with a pathogenic variant in FBN1, in addition to harbouring the MYH11 variant (VCGS, ClinVar, DECIPHER, PMIDs: 26056961, 22968129, 28391405, 25944730, 34422331, 29510914, 30675029, 29907982, 28074631, 19875725, 25907466, 37042257, 37644562, 40658722); This variant has moderate functional evidence supporting abnormal protein function. Mouse model with heterozygous p.(Lys1256del) developed aortic dissections and intramural haematomas when stimulated with angiotensin II (PMID: 35614093). The authors concluded that the variant leads to structural fragility and maladaptation against mechanical stress in aortas by decreasing the composition of elastin lamellae and smooth muscle cell contractility. Additional information: This variant is heterozygous; This gene is associated with both recessive and dominant disease. MMIHS is an autosomal recessive form of disease caused by both missense variants and those resulting in a premature termination codon. AAFT is autosomal dominant and has been reported in patients with splice, missense and inframe deletion variants. CIPO is autosomal dominant and has only been reported in patients with protein elongation variants exclusive to isoform SM2 (PMIDs: 31389005, 31944481); Segregation evidence for this variant is inconclusive. It fully segregated with PDA/TAAD in one of the families reported (PMID: 26056961), however another family demonstrated incomplete penetrance (PMID: 22968129); No comparable deletion have previous evidence for pathogenicity; Variant is located in the annotated myosin tail 1 domain (DECIPHER); Loss of function is a known mechanism of disease in this gene and is associated with megacystis-microcolon-intestinal hypoperistalsis syndrome 2 (MMIHS; MIM#619351). The disease mechanism for chronic intestinal pseudo-obstruction (CIPO), also known as visceral myopathy 2 (MIM#619350), and aortic aneurysm, familial thoracic 4 (AAFT; MIM#132900) is unclear, however loss of function and dominant negative have been suggested, respectively (PMID: 31944481); The aortic aneurysm associated with this gene has incomplete penetrance (PMIDs: 17666408, 22968129).

Variantyx, Inc.
Classification: Likely pathogenic for Aortic aneurysm, familial thoracic 4. Last evaluated: 2025-11-10. Review status: criteria provided, single submitter. Criteria: Variantyx Assertion Criteria 2022. Collection method: clinical testing. Allele origin: germline. Inheritance: Autosomal dominant inheritance. Affected: yes.
Comment: This is an inframe deletion variant in the MYH11 gene (OMIM: 160745). Pathogenic variants in this gene have been associated with autosomal dominant familial thoracic aortic aneurysm 4. This variant causes an in-frame deletion of a single amino acid at position 1263 of the MYH11 protein (PM4_Supporting). It has been reported in at least unrelated affected individuals (PMID: 25944730, 28074631, 25907466) (PS4_Moderate). and it has been observed to segregate with disease in at least 4 individuals from one family (PMID: 26056961) (PP1). Functional studies have shown that this variant alters MYH11 protein function (PMID: 35614093) (PS3). It has a 0.0045% maximum allele frequency in non-founder control populations (PM2). Based on the current evidence, this variant is classified as likely pathogenic for autosomal dominant familial thoracic aortic aneurysm 4.

Women's Health and Genetics/Laboratory Corporation of America, LabCorp
Classification: Likely pathogenic for Familial thoracic aortic aneurysm and aortic dissection. Last evaluated: 2025-11-10. Review status: criteria provided, single submitter. Criteria: LabCorp Variant Classification Summary - May 2015. Collection method: clinical testing. Allele origin: germline.
Comment: Variant summary: MYH11 c.3787_3789delAAG (p.Lys1263del; aka. c.3766_3768delAAG, p.Lys1256del) results in an in-frame deletion that is predicted to remove one amino acid from the myosin tail domain (IPR002928) of the encoded protein. The variant allele was found at a frequency of 3.5e-05 in 1606108 control chromosomes in the gnomAD database (v4.1 dataset). The observed variant frequency exceeds the estimated maximal expected allele frequency for disease-causing variants in MYH11. While this typically suggests that the variant is a benign polymorphism, due to variable age of onset, no conclusions can be made regarding variant significance. c.3787_3789delAAG has been observed in multiple individuals affected with Familial thoracic aortic aneurysm and aortic dissection (e.g. Harakalova_2013, Imai_2015, Wooderchack-Donahue_2015, Yeung_2017, Overwater_2018, Hicks_2018, Renner_2019, Duan_2023). Segregation data is present for several families. In one family with four individuals affected with PDA and two affected with TAAD, there was one individual with PDA and one individual with TAAD who did not have this variant, suggesting lack of segregation (Harakalova_2013). However, in a second family, all affected members carried the variant (n=3), while unaffected members (n=4) did not (Imai_2015). A co-occurrence with at least one other pathogenic variant has been reported (FBN1 c.6664delC, p.Tyr2149fs; Wooderchack-Donahue_2015). Publications reported experimental evidence evaluating an impact on protein function in a mouse model and found that heterozygous mice developed aortic dissections and intramural hematomas when stimulated with angiotensin II, although without stimulation neither heterozygous nor homozygous mice experienced aortic dissection when observed for a period of over 18 months (Negishi_2022), in addition, transcriptomic and proteomic profiles suggested dysregulated extracellular matrix and focal adhesions (Tomida_2025); these data suggests that the variant increases the vulnerability of the aorta. Additionally, transdifferentiated smooth muscle cells derived from an aortic aneurysm patient with the variant were found to have abnormal contractile cytoskeleton formation compared to cells from patients without a proven pathogenic variant and healthy controls (Yeung_2017). The following publications have been ascertained in the context of this evaluation (PMID: 37644562, 22968129, 29510914, 26056961, 35614093, 29907982, 30675029, 25944730, 28074631, 40869178). ClinVar contains an entry for this variant (Variation ID: 180420). Based on the evidence outlined above, the variant was classified as likely pathogenic.

Institute for Genomic Medicine (IGM) Clinical Laboratory, Nationwide Children's Hospital
Classification: Tier II - Potential for Yolk sac tumor. Assertion type: diagnostic. Clinical significance: supports diagnosis. Last evaluated: 2025-03-30. Review status: criteria provided, single submitter. Criteria: AMP/ASCO/CAP Guidelines, 2017. Collection method: clinical testing. Allele origin: somatic. Affected: yes.
Comment: Variant has Tier II (potential) clinical significance as a diagnostic inclusion criterion in yolk sac tumor, based on the following evidence: 1) Documented in one or more cancer databases (e.g., St. Jude Pecan, COSMIC, CIViC, OncoKB). 2) Information in the literature supports potential biologic effect of variant (PMIDs: 35614093, 37894894, 34380460). 3) Assists in diagnosis alone or along with other biomarkers based on small studies or few case reports (Evidence Level D; PMIDs: 29517504, 18391202).

Centre of Medical Genetics, University of Antwerp
Classification: Uncertain significance for Familial thoracic aortic aneurysm and aortic dissection. Last evaluated: 2024-09-06. Review status: criteria provided, single submitter. Criteria: ACMG Guidelines, 2015. Collection method: clinical testing. Allele origin: germline. Affected: yes.

Color Diagnostics, LLC DBA Color Health
Classification: Uncertain significance for Familial thoracic aortic aneurysm and aortic dissection. Last evaluated: 2024-05-08. Review status: criteria provided, single submitter. Criteria: ACMG Guidelines, 2015. Collection method: clinical testing. Allele origin: germline.
Comment: This variant causes a deletion of lysine at codon 1263 of the MYH11 protein. This variant is also known as c.3766_3768delAAG, p.Lys1256del based on a different transcript NM_002474.2. A functional study has shown that this variant has subtle impact on the subcellular localization of MYH11 protein (PMID: 28074631), however, clinical relevance of this observation is not clear. This variant has been reported in eight unrelated individuals affected with thoracic aortic aneurysm and aortic dissection (PMID: 22968129, 25907466, 26056961, 28074631, 28391405, 29510914, 29907982, 30675029, DOI 10.21203/rs.3.rs-1548216/v1). This variant has shown segregation with thoracic aortic aneurysm in three related individuals in one family (PMID: 26056961) and with patent ductus arteriosus in four individuals in two families (PMID: 22968129, 26056961). However, two affected individuals from these families were determined to be non-carriers of this variant (PMID: 22968129), and four unaffected carriers were reported in two families (PMID: 22968129, 26056961). This variant has also been reported in two individuals suspected to be affected with aortopathy (PMID: 25944730); one of these individuals was diagnosed with Marfan syndrome and also carried a pathogenic truncation variant in the FBN1 gene. This variant has been identified in 13/282182 chromosomes in the general population by the Genome Aggregation Database (gnomAD). In summary, although this variant has been observed in multiple affected individuals, it has also been observed in the general population, and family studies are inconclusive as to whether this variant is the cause of the observed phenotype. The available evidence is insufficient to determine the role of this variant in disease conclusively. Therefore, this variant is classified as a Variant of Uncertain Significance.

KardioGenetik, Herz- und Diabeteszentrum NRW
Classification: Likely pathogenic for Aortic aneurysm, familial thoracic 4. Last evaluated: 2024-05-08. Review status: criteria provided, single submitter. Criteria: ACMG Guidelines, 2015. Collection method: clinical testing. Allele origin: unknown. Affected: yes. Observed: 1 variant allele.
Comment: According to Harakalova et al. (PMID 22968129) an oligogenic model might exist due to incomplete segregation in one family; however, Imai et al. (PMID 26056961) report a family with complete segregation. (PS3_supporting, PS4_moderate, PM4, PP4)